The following is an entry in ClinVar:

NM_032383.5(HPS3):c.2290A>T (p.Lys764Ter)

Gene: HPS3 (HPS3 biogenesis of lysosomal organelles complex 2 subunit 1; plus strand). Cytogenetic location: 3q24.
Variant type: single nucleotide variant.
Coding change: c.2290A>T on transcript NM_032383.5 (MANE Select); coding-DNA position 2290, A replaced by T.
Protein change: p.Lys764Ter; replaces lysine 764 with a stop codon.
Molecular consequence: nonsense.
Genome position (GRCh38, 1-based): chr3:149,162,331, A>T. VCF-style: chr3-149162331-A-T. GRCh37 (hg19) VCF-style: chr3-148880118-A-T.
Other names: c.1795A>T, p.Lys599Ter (NM_001308258.2); short protein forms K599*, K764*.
Identifiers: ClinVar variation 5014813 (VCV005014813.1).

ClinVar aggregate classification (germline): Pathogenic (1 of 4 stars; one submission).

Conditions:
Hermansky-Pudlak syndrome 3 (HPS3). Identifiers: Orphanet 231512, Orphanet 79430, MedGen C3888001, MONDO:0013555, OMIM 614072.

Submission:

Myriad Genetics, Inc.
Classification: Pathogenic for Hermansky-Pudlak syndrome 3. Last evaluated: 2024-05-14. Review status: criteria provided, single submitter. Criteria: Myriad Autosomal Dominant, Autosomal Recessive and X-Linked Classification Criteria (2023). Collection method: clinical testing. Allele origin: unknown.
Comment: NM_032383.3(HPS3):c.2290A>T(K764*) is expected to be pathogenic in the context of Hermansky-Pudlak syndrome, HPS3-related. This variant is predicted to lead to an abnormal or absent protein product due to the creation of a premature termination codon in HPS3, a gene where loss-of-function variants are known to be pathogenic. Please note: this variant was assessed in the context of healthy population screening.